The following is an entry in ClinVar:

NM_001099857.5(IKBKG):c.518G>A (p.Arg173Gln)

Gene: IKBKG (inhibitor of nuclear factor kappa B kinase regulatory subunit gamma; plus strand). Cytogenetic location: Xq28.
Variant type: single nucleotide variant.
Coding change: c.518G>A on transcript NM_001099857.5 (MANE Select); coding-DNA position 518, G replaced by A.
Protein change: p.Arg173Gln; replaces arginine 173 with glutamine.
Molecular consequence: missense variant. On other transcripts: intron variant (1).
Genome position (GRCh38, 1-based): chrX:154,558,650, G>A. VCF-style: chrX-154558650-G-A. GRCh37 (hg19) VCF-style: chrX-153786865-G-A.
Other names: c.722G>A, p.Arg241Gln (NM_001099856.6); c.518G>A, p.Arg173Gln (NM_001145255.4, NM_001321396.3, NM_001377312.1 and 1 more transcripts); c.515G>A, p.Arg172Gln (NM_001321397.3, NM_001377313.1, NM_001377314.1); c.399+2274G>A (NM_001377315.1); short protein forms R173Q, R241Q, R172Q.
Identifiers: ClinVar variation 377974 (VCV000377974.11), dbSNP rs1057520292, ClinGen allele CA16608844.

ClinVar aggregate classification (germline): Likely pathogenic. Review status: criteria provided, multiple submitters, no conflicts (2 of 4 stars). 2 submissions from 2 submitters: Likely pathogenic (2). Last evaluated 2025-10-08.

Allele frequency attached by ClinVar (database versions not stated): gnomAD 0.00005.

Submissions (2):

GeneDx
Classification: Likely pathogenic. Last evaluated: 2025-10-08. Review status: criteria provided, single submitter. Criteria: GeneDx Variant Classification Process June 2021. Collection method: clinical testing. Allele origin: germline. Affected: yes.
Comment: In silico analysis supports a deleterious effect on splicing; In silico analysis suggests that this missense variant does not alter protein structure/function; This variant is associated with the following publications: (PMID: 32853772, 33655605, Leung2025_noPMIDyet, 24339369)

Dasa
Classification: Likely pathogenic. Last evaluated: 2025-08-17. Review status: criteria provided, single submitter. Criteria: DASA Assertion Criteria. Collection method: clinical testing. Allele origin: germline.
Comment: NM_001099857.5(IKBKG):c.518G>A (p.Arg173Gln) is a missense variant that results in the substitution of arginine with glutamine. The affected residue or protein region has prior evidence supporting clinical relevance. This variant has been reported in individuals with IKBKG-related disorders. Functional evidence supports an impact on the gene or gene product. Also, this variant is absent from population databases. Computational evidence supports a deleterious effect. Based on the currently available evidence, this variant is classified as likely pathogenic.